The following is an entry in ClinVar:

NM_004519.4(KCNQ3):c.-519C>G

Gene: KCNQ3 (potassium voltage-gated channel subfamily Q member 3; minus strand). Cytogenetic location: 8q24.22.
Variant type: single nucleotide variant.
Coding change: c.-519C>G on transcript NM_004519.4 (MANE Select); 519 bases upstream of the start codon, C replaced by G.
Molecular consequence: 5 prime UTR variant.
Genome position (GRCh38, 1-based): chr8:132,481,051, G>C on the plus strand (C>G on the coding strand, the complement: KCNQ3 is on the minus strand). VCF-style: chr8-132481051-G-C. GRCh37 (hg19) VCF-style: chr8-133493298-G-C.
Identifiers: ClinVar variation 668721 (VCV000668721.2), dbSNP rs71512327, ClinGen allele CA12776893.
Genomic context (GRCh38, chr8:132,481,051, plus strand): 5'-GCCTCCTCCCTCCTCCGCGCTCCCACCCGCGCCCCTCCCCGCCCGTTCCAGCCTCAGCCT[G>C]TCAGCAGCAGCAGCAGCGAGCGCGCCGCGGGCCGAGAGCACGCCGCGTCCCTCCCTCCCT-3'

ClinVar aggregate classification (germline): Benign. Review status: criteria provided, multiple submitters, no conflicts (2 of 4 stars). 2 submissions from 2 submitters: Benign (2). Last evaluated 2018-06-18.

Allele frequency attached by ClinVar (database versions not stated): TOPMed 0.19537; gnomAD 0.19795; 1000 Genomes Project 0.20607; 1000 Genomes Project 30x 0.20846.

Submissions (2):

GeneDx
Classification: Benign. Last evaluated: 2018-06-18. Review status: criteria provided, single submitter. Criteria: GeneDx Variant Classification (06012015). Collection method: clinical testing. Allele origin: germline. Affected: yes.
Comment: This variant is considered likely benign or benign based on one or more of the following criteria: it is a conservative change, it occurs at a poorly conserved position in the protein, it is predicted to be benign by multiple in silico algorithms, and/or has population frequency not consistent with disease.

Breakthrough Genomics
Classification: Benign. Review status: criteria provided, single submitter. Criteria: ACMG Guidelines, 2015. Collection method: not provided. Allele origin: germline. Inheritance: Autosomal dominant inheritance. Affected: yes.